The following is an entry in ClinVar:

ClinVar aggregate classification (germline): Uncertain significance (1 of 4 stars; one submission).

Allele frequency attached by ClinVar (database versions not stated): gnomAD exomes below 0.00001; TOPMed 0.00001.

Submission:

Labcorp Genetics (formerly Invitae), Labcorp
Classification: Uncertain significance. Last evaluated: 2022-10-04. Review status: criteria provided, single submitter. Criteria: Invitae Variant Classification Sherloc (09022015). Collection method: clinical testing. Allele origin: germline.
Comment: In summary, the available evidence is currently insufficient to determine the role of this variant in disease. Therefore, it has been classified as a Variant of Uncertain Significance. Advanced modeling of protein sequence and biophysical properties (such as structural, functional, and spatial information, amino acid conservation, physicochemical variation, residue mobility, and thermodynamic stability) performed at Invitae indicates that this missense variant is not expected to disrupt USH1G protein function. This variant has not been reported in the literature in individuals affected with USH1G-related conditions. This variant is not present in population databases (gnomAD no frequency). This sequence change replaces glutamic acid, which is acidic and polar, with aspartic acid, which is acidic and polar, at codon 370 of the USH1G protein (p.Glu370Asp).

NM_173477.5(USH1G):c.1110G>C (p.Glu370Asp)

Gene: USH1G (USH1 protein network component sans; minus strand). Cytogenetic location: 17q25.1.
Variant type: single nucleotide variant.
Coding change: c.1110G>C on transcript NM_173477.5 (MANE Select); coding-DNA position 1110, G replaced by C.
Protein change: p.Glu370Asp; replaces glutamic acid 370 with aspartic acid.
Molecular consequence: missense variant.
Genome position (GRCh38, 1-based): chr17:74,919,726, C>G on the plus strand (G>C on the coding strand, the complement: USH1G is on the minus strand). VCF-style: chr17-74919726-C-G. GRCh37 (hg19) VCF-style: chr17-72915821-C-G.
Other names: c.801G>C, p.Glu267Asp (NM_001282489.3); short protein forms E267D, E370D.
Identifiers: ClinVar variation 1981565 (VCV001981565.4), dbSNP rs1598582847, ClinGen allele CA400961682.